The following is an entry in ClinVar:

ClinVar aggregate classification (germline): Likely benign. Review status: criteria provided, multiple submitters, no conflicts (2 of 4 stars). 3 submissions from 3 submitters: Likely benign (3). Last evaluated 2025-07-20.

Conditions:
3-methylglutaconic aciduria with deafness, encephalopathy, and Leigh-like syndrome (MEGDEL). Also called: SERAC1 Deficiency; 3-METHYLGLUTACONIC ACIDURIA, TYPE VI; MEGDEL syndrome. Identifiers: Orphanet 352328, MedGen C4040739, MONDO:0013875, OMIM 614739.

Allele frequency attached by ClinVar (database versions not stated): gnomAD exomes 0.00002 and 0.00006; ExAC 0.00011; gnomAD 0.00022 and 0.00027; ESP Exome Variant Server 0.00031; TOPMed 0.00036.
gnomAD v4.1: 66 of 1,605,618 alleles (0.0041%); highest among the groups gnomAD compares: African/African-American, 0.076%; no homozygotes.

Submissions (3):

Labcorp Genetics (formerly Invitae), Labcorp
Classification: Likely benign for 3-methylglutaconic aciduria with deafness, encephalopathy, and Leigh-like syndrome. Last evaluated: 2025-07-20. Review status: criteria provided, single submitter. Criteria: Invitae Variant Classification Sherloc (09022015). Collection method: clinical testing. Allele origin: germline.

Genome-Nilou Lab
Classification: Likely benign for 3-methylglutaconic aciduria with deafness, encephalopathy, and Leigh-like syndrome. Last evaluated: 2022-03-15. Review status: criteria provided, single submitter. Criteria: ACMG Guidelines, 2015. Collection method: clinical testing. Allele origin: germline. Affected: no.

GeneDx
Classification: Likely benign. Last evaluated: 2016-11-07. Review status: criteria provided, single submitter. Criteria: GeneDx Variant Classification (06012015). Collection method: clinical testing. Allele origin: germline. Affected: yes.
Comment: This variant is considered likely benign or benign based on one or more of the following criteria: it is a conservative change, it occurs at a poorly conserved position in the protein, it is predicted to be benign by multiple in silico algorithms, and/or has population frequency not consistent with disease.

NM_032861.4(SERAC1):c.1828+10C>G

Gene: SERAC1 (serine active site containing 1; minus strand). Cytogenetic location: 6q25.3.
Variant type: single nucleotide variant.
Coding change: c.1828+10C>G on transcript NM_032861.4 (MANE Select); 10 bases into the intron after coding-DNA position 1828, C replaced by G.
Molecular consequence: intron variant.
Genome position (GRCh38, 1-based): chr6:158,113,439, G>C on the plus strand (C>G on the coding strand, the complement: SERAC1 is on the minus strand). VCF-style: chr6-158113439-G-C. GRCh37 (hg19) VCF-style: chr6-158534471-G-C.
Identifiers: ClinVar variation 378571 (VCV000378571.11), dbSNP rs374374755, ClinGen allele CA4070929.